The following is an entry in ClinVar:

ClinVar aggregate classification (germline): Uncertain significance (1 of 4 stars; one submission).

gnomAD v4.1: 31 of 1,613,872 alleles (0.0019%); highest among the groups gnomAD compares: East Asian, 0.06%; no homozygotes.

Submission:

Labcorp Genetics (formerly Invitae), Labcorp
Classification: Uncertain significance. Last evaluated: 2025-08-22. Review status: criteria provided, single submitter. Criteria: Invitae Variant Classification Sherloc (09022015). Collection method: clinical testing. Allele origin: germline.
Comment: This sequence change replaces glutamine, which is neutral and polar, with arginine, which is basic and polar, at codon 1144 of the SUCO protein (p.Gln1144Arg). This variant is present in population databases (rs780767051, gnomAD 0.07%), and has an allele count higher than expected for a pathogenic variant. This variant has not been reported in the literature in individuals affected with SUCO-related conditions. An algorithm developed to predict the effect of missense changes on protein structure and function (PolyPhen-2) suggests that this variant is likely to be disruptive. In summary, the available evidence is currently insufficient to determine the role of this variant in disease. Therefore, it has been classified as a Variant of Uncertain Significance.

NM_014283.5(SUCO):c.3431A>G (p.Gln1144Arg)

Gene: SUCO (SUN domain containing ossification factor; plus strand). Cytogenetic location: 1q24.3.
Variant type: single nucleotide variant.
Coding change: c.3431A>G on transcript NM_014283.5 (MANE Select); coding-DNA position 3431, A replaced by G.
Protein change: p.Gln1144Arg; replaces glutamine 1144 with arginine.
Molecular consequence: missense variant.
Genome position (GRCh38, 1-based): chr1:172,609,925, A>G. VCF-style: chr1-172609925-A-G. GRCh37 (hg19) VCF-style: chr1-172579065-A-G.
Other names: c.2318A>G, p.Gln773Arg (NM_001282750.2); c.1742A>G, p.Gln581Arg (NM_001282751.2); c.3884A>G, p.Gln1295Arg (NM_016227.4); short protein forms Q1144R, Q1295R, Q581R, Q773R.
Identifiers: ClinVar variation 4805052 (VCV004805052.1).